The following is an entry in ClinVar:

ClinVar aggregate classification (germline): Uncertain significance (1 of 4 stars; one submission).

Conditions:
Hypertrophic cardiomyopathy. Also called: HYPERTROPHIC MYOCARDIOPATHY. Identifiers: Orphanet 217569, MedGen C0007194, MeSH D002312, MONDO:0005045, HP:0001639.

Submission:

Labcorp Genetics (formerly Invitae), Labcorp
Classification: Uncertain significance for Hypertrophic cardiomyopathy. Last evaluated: 2025-04-09. Review status: criteria provided, single submitter. Criteria: Invitae Variant Classification Sherloc (09022015). Collection method: clinical testing. Allele origin: germline.
Comment: This sequence change replaces glutamic acid, which is acidic and polar, with lysine, which is basic and polar, at codon 946 of the MYH7 protein (p.Glu946Lys). This variant is not present in population databases (gnomAD no frequency). This variant has not been reported in the literature in individuals affected with MYH7-related conditions. Invitae Evidence Modeling of protein sequence and biophysical properties (such as structural, functional, and spatial information, amino acid conservation, physicochemical variation, residue mobility, and thermodynamic stability) indicates that this missense variant is expected to disrupt MYH7 protein function with a positive predictive value of 95%. In summary, the available evidence is currently insufficient to determine the role of this variant in disease. Therefore, it has been classified as a Variant of Uncertain Significance.

NM_000257.4(MYH7):c.2836G>A (p.Glu946Lys)

Gene: MYH7 (myosin heavy chain 7; minus strand). Cytogenetic location: 14q11.2.
Variant type: single nucleotide variant.
Coding change: c.2836G>A on transcript NM_000257.4 (MANE Select); coding-DNA position 2836, G replaced by A.
Protein change: p.Glu946Lys; replaces glutamic acid 946 with lysine.
Molecular consequence: missense variant.
Genome position (GRCh38, 1-based): chr14:23,423,993, C>T on the plus strand (G>A on the coding strand, the complement: MYH7 is on the minus strand). VCF-style: chr14-23423993-C-T. GRCh37 (hg19) VCF-style: chr14-23893202-C-T.
Other names: c.2836G>A, p.Glu946Lys (NM_001407004.1); short protein forms E946K.
Identifiers: ClinVar variation 4708158 (VCV004708158.1).
Genomic context (GRCh38, chr14:23,423,993, plus strand): 5'-TCTCCACTTTGGCCAGTGTCAGCTCCAGATCATCGATGTCCCTTTTGAGCTCTGAGCACT[C>T]ATCTTCCAGCTTGCGCTTCTTGGCAGTGAGCTCAGCATTCATCTCCTCCTCATCCTCCAG-3'
Protein context (NP_000248.2, residues 936-956): LTAKKRKLED[Glu946Lys]CSELKRDIDD